The following is an entry in ClinVar:

ClinVar aggregate classification (germline): Uncertain significance. Review status: criteria provided, multiple submitters, no conflicts (2 of 4 stars). 2 submissions from 2 submitters: Uncertain significance (2). Last evaluated 2025-08-18.

Conditions:
Inborn genetic diseases. Identifiers: MedGen C0950123, MeSH D030342.

Submissions (2):

Labcorp Genetics (formerly Invitae), Labcorp
Classification: Uncertain significance. Last evaluated: 2025-08-18. Review status: criteria provided, single submitter. Criteria: Invitae Variant Classification Sherloc (09022015). Collection method: clinical testing. Allele origin: germline.
Comment: This sequence change replaces arginine, which is basic and polar, with lysine, which is basic and polar, at codon 585 of the MYO7A protein (p.Arg585Lys). This variant is not present in population databases (gnomAD no frequency). This variant has not been reported in the literature in individuals affected with MYO7A-related conditions. ClinVar contains an entry for this variant (Variation ID: 1922823). Invitae Evidence Modeling of protein sequence and biophysical properties (such as structural, functional, and spatial information, amino acid conservation, physicochemical variation, residue mobility, and thermodynamic stability) indicates that this missense variant is not expected to disrupt MYO7A protein function with a negative predictive value of 95%. In summary, the available evidence is currently insufficient to determine the role of this variant in disease. Therefore, it has been classified as a Variant of Uncertain Significance.

Ambry Genetics
Classification: Uncertain significance for Inborn genetic diseases. Last evaluated: 2024-06-07. Review status: criteria provided, single submitter. Criteria: Ambry Variant Classification Scheme 2023. Collection method: clinical testing. Allele origin: germline.

NM_000260.4(MYO7A):c.1754G>A (p.Arg585Lys)

Gene: MYO7A (myosin VIIA; plus strand). Cytogenetic location: 11q13.5.
Variant type: single nucleotide variant.
Coding change: c.1754G>A on transcript NM_000260.4 (MANE Select); coding-DNA position 1754, G replaced by A.
Protein change: p.Arg585Lys; replaces arginine 585 with lysine.
Molecular consequence: missense variant.
Genome position (GRCh38, 1-based): chr11:77,166,119, G>A. VCF-style: chr11-77166119-G-A. GRCh37 (hg19) VCF-style: chr11-76877165-G-A.
Other names: c.1754G>A, p.Arg585Lys (NM_001127180.2); c.1721G>A, p.Arg574Lys (NM_001369365.1); c.1754G>A (NM_000260.3); short protein forms R574K, R585K.
Identifiers: ClinVar variation 1922823 (VCV001922823.6), dbSNP rs2496934820, ClinGen allele CA381937098.
Genomic context (GRCh38, chr11:77,166,119, plus strand): 5'-TCCTGGAGAAGAACCGAGACACCCTGCATGGGGACATTATCCAGCTGGTCCACTCCTCCA[G>A]GAACAAGTTCATCAAGCAGATCTTCCAGGCCGATGTCGCCATGGTAAGCCGGGTGCGGTT-3'
Protein context (NP_000251.3, residues 575-595): GDIIQLVHSS[Arg585Lys]NKFIKQIFQA